The following is an entry in ClinVar:

NM_004415.4(DSP):c.3337C>T (p.Arg1113Ter)

Gene: DSP (desmoplakin; plus strand). Cytogenetic location: 6p24.3.
Variant type: single nucleotide variant.
Coding change: c.3337C>T on transcript NM_004415.4 (MANE Select); coding-DNA position 3337, C replaced by T.
Protein change: p.Arg1113Ter; replaces arginine 1113 with a stop codon.
Molecular consequence: nonsense.
Genome position (GRCh38, 1-based): chr6:7,579,527, C>T. VCF-style: chr6-7579527-C-T. GRCh37 (hg19) VCF-style: chr6-7579760-C-T.
Other names: c.3337C>T, p.Arg1113Ter (NM_001008844.3, NM_001319034.2); c.3337C>T (LRG_423t1); short protein forms R1113*.
Identifiers: ClinVar variation 405247 (VCV000405247.29), dbSNP rs746877365, ClinGen allele CA16612031.

ClinVar aggregate classification (germline): Pathogenic/Likely pathogenic. Review status: criteria provided, multiple submitters, no conflicts (2 of 4 stars). 11 submissions from 11 submitters: Pathogenic (6); Likely pathogenic (1). 4 of the submissions do not count toward it. Last evaluated 2026-03-11.

Conditions:
DSP-related disorder. Also called: DSP-related disorders; DSP-related condition.
Cardiovascular phenotype. Identifiers: MedGen CN230736.
Cardiomyopathy (CMYO). Also called: Cardiomyopathies. Identifiers: Orphanet 167848, MedGen C0878544, MONDO:0004994, HP:0001638. Inheritance: Various modes of inheritance.
Arrhythmogenic cardiomyopathy with wooly hair and keratoderma. Also called: PALMOPLANTAR KERATODERMA WITH LEFT VENTRICULAR CARDIOMYOPATHY AND WOOLLY HAIR; Dilated cardiomyopathy with woolly hair and keratoderma; Arrhythmogenic cardiomyopathy with woolly hair and keratoderma; Carvajal syndrome. Identifiers: Orphanet 65282, MedGen C1854063, MONDO:0011581, OMIM 605676.
Arrhythmogenic right ventricular dysplasia 8 (ARVD8). Also called: Arrhythmogenic Right Ventricular Dysplasia/Cardiomyopathy 8; ARRHYTHMOGENIC RIGHT VENTRICULAR CARDIOMYOPATHY 8; ARRHYTHMOGENIC RIGHT VENTRICULAR DYSPLASIA, FAMILIAL, 8. Identifiers: MedGen C1843896, MONDO:0011831, OMIM 607450.
Long QT syndrome 1 (LQT1). Identifiers: Orphanet 101016, Orphanet 768, MedGen C4551647, MONDO:0100316, OMIM 192500, MONDO:0008646.

Submissions (11):

Ambry Genetics
Classification: Pathogenic for Cardiovascular phenotype. Last evaluated: 2026-03-11. Review status: criteria provided, single submitter. Criteria: Ambry Variant Classification Scheme 2023. Collection method: clinical testing. Allele origin: germline.
Comment: The c.3337C>T (p.R1113*) alteration, located in exon 23 (coding exon 23) of the DSP gene, consists of a C to T substitution at nucleotide position 3337. This changes the amino acid from a arginine (R) to a stop codon at amino acid position 1113. This alteration is expected to result in loss of function by premature protein truncation or nonsense-mediated mRNA decay. This variant was not reported in population-based cohorts in the Genome Aggregation Database (gnomAD). In addition, this mutation was detected once in a sudden cardiac death cohort and authors used immunohistochemical and histology studies to show that this mutation diminished the level of desmoplakin compared to wild type (Asimaki, 2009). This mutation has also been detected in several arrhythmia, dilated cardiomyopathy, and arrhythmogenic right ventricular dysplasia/cardiomyopathy cohorts (Cox, 2011; Groeneweg, 2015; Haas, 2015). Based on the available evidence, this alteration is classified as pathogenic.

Labcorp Genetics (formerly Invitae), Labcorp
Classification: Pathogenic for Arrhythmogenic cardiomyopathy with wooly hair and keratoderma; Arrhythmogenic right ventricular dysplasia 8. Last evaluated: 2026-01-26. Review status: criteria provided, single submitter. Criteria: Invitae Variant Classification Sherloc (09022015). Collection method: clinical testing. Allele origin: germline.
Comment: This sequence change creates a premature translational stop signal (p.Arg1113*) in the DSP gene. It is expected to result in an absent or disrupted protein product. Loss-of-function variants in DSP are known to be pathogenic (PMID: 20716751, 24503780, 25227139, 30398466). This variant is not present in population databases (gnomAD no frequency). This premature translational stop signal has been observed in individual(s) with arrhythmogenic right ventricular cardiomyopathy (PMID: 19095136, 19279339, 24070718). ClinVar contains an entry for this variant (Variation ID: 405247). For these reasons, this variant has been classified as Pathogenic.

GeneDx
Classification: Pathogenic. Last evaluated: 2025-08-11. Review status: criteria provided, single submitter. Criteria: GeneDx Variant Classification Process June 2021. Collection method: clinical testing. Allele origin: germline. Affected: yes.
Comment: Identified in multiple unrelated individuals with cardiomyopathy referred for genetic testing at GeneDx and in published literature (PMID: 19279339, 21606396, 24070718, 26138720, 25820315); Not observed at significant frequency in large population cohorts (gnomAD); Nonsense variant predicted to result in protein truncation or nonsense mediated decay in a gene for which loss of function is a known mechanism of disease; This variant is associated with the following publications: (PMID: 25525159, 19279339, 21606390, 26138720, 25820315, 25163546, 21606396, 25225338, 28527814, 30382575, 31386562, 31402444, 36868229, 33087929, 37936669, 34076677, 36175056, 36264615, 36580316, 19095136, 24070718)

Color Diagnostics, LLC DBA Color Health
Classification: Pathogenic for Cardiomyopathy. Last evaluated: 2021-06-29. Review status: criteria provided, single submitter. Criteria: ACMG Guidelines, 2015. Collection method: clinical testing. Allele origin: germline.
Comment: This variant changes 1 nucleotide in exon 23 of the DSP gene, creating a premature translation stop signal. This variant is expected to result in an absent or non-functional protein product. To our knowledge, functional studies have not been performed for this variant. This variant has been reported in several individuals affected with arrhythmogenic right ventricular cardiomyopathy (PMID: 19279339, 21606396, 21723241, 24070718) and with dilated cardiomyopathy (PMID: 25163546). It has been shown that this variant segregates with disease in two families affected with arrhythmogenic cardiomyopathy (PMID: 19095136, 30382575). This variant has not been identified in the general population by the Genome Aggregation Database (gnomAD). Loss of DSP function is a known mechanism of disease. Based on the available evidence, this variant is classified as Pathogenic.

Women's Health and Genetics/Laboratory Corporation of America, LabCorp
Classification: Pathogenic for Long QT syndrome 1. Last evaluated: 2019-08-22. Review status: criteria provided, single submitter. Criteria: LabCorp Variant Classification Summary - May 2015. Collection method: clinical testing. Allele origin: germline.
Comment: Variant summary: DSP c.3337C>T (p.Arg1113X) results in a premature termination codon, predicted to cause a truncation of the encoded protein or absence of the protein due to nonsense mediated decay, which are commonly known mechanisms for disease. The variant was absent in 250498 control chromosomes (gnomAD and publication data). c.3337C>T has been reported in the literature heterozygous state in multiple individuals affected with Arrhythmia and ARVD/C (e.g. Cox_2011, Asimaki_2009, Sen-Chowdhry_2008, Haas_2015, Maruthappu_2019), including a large family where the variant co-segregated with the disease (Sen-Chowdhry_2008). In this family a (predominantly) left ventricular involvement was noted (Sen-Chowdhry_2008), and a curly hair phenotype was observed in all carriers, which was occasionally accompanied by a mild palmoplantar keratoderma (Maruthappu_2019). These data indicate that the variant is very likely to be associated with disease. Immunohistochemical and histology studies on cardiac tissue from carriers of the variant suggest a reduction in desmoplakin and an abnormal histology, respectively (Asimaki_2009, Sen-Chowdhry_2008). Three other clinical diagnostic laboratories have submitted clinical-significance assessments for this variant to ClinVar after 2014 without evidence for independent evaluation, and all of them classified the variant as pathogenic (2x) or likely pathogenic (1x). Based on the evidence outlined above, the variant was classified as pathogenic.

Blueprint Genetics
Classification: Pathogenic for DSP-related disorders. Last evaluated: 2019-04-18. Review status: criteria provided, single submitter. Criteria: ACMG Guidelines, 2015. Collection method: clinical testing. Allele origin: germline. Affected: yes. Observed: 3 variant alleles.

Illumina Laboratory Services, Illumina
Classification: Likely pathogenic for DSP-Related Disorders. Last evaluated: 2018-08-29. Review status: criteria provided, single submitter. Criteria: ICSL Variant Classification Criteria 09 May 2019. Collection method: clinical testing. Allele origin: germline.
Comment: The DSP c.3337C>T (p.Arg1113Ter) variant is a stop-gained variant that is predicted to result in a premature termination of the protein. The proband's two children also carry the variant, but at the time were asymptomatic. The p.Arg1113Ter variant has not been reported in individuals with epidermolysis bullosa (lethal acantholytic), ectodermal dysplasia/skin fragility syndrome or skin fragility/woolly hair syndrome. Control data are not available for this variant which is not found in the 1000 Genomes Project, the Exome Sequencing Project, the Exome Aggregation Consortium, or the Genome Aggregation Database. Based on the potential impact of stop-gained variants and supporting evidence from the literature, the p.Arg1113Ter variant is classified as likely pathogenic for DSP-related disorders. This variant was observed by ICSL as part of a predisposition screen in an ostensibly healthy population.

Clinical Genetics DNA and cytogenetics Diagnostics Lab, Erasmus MC, Erasmus Medical Center
Classification: Pathogenic. Review status: no assertion criteria provided. Collection method: clinical testing. Allele origin: germline. Affected: yes. Study: VKGL Data-share Consensus. Not counted in ClinVar's aggregate classification.

Diagnostic Laboratory, Department of Genetics, University Medical Center Groningen
Classification: Pathogenic. Review status: no assertion criteria provided. Collection method: clinical testing. Allele origin: germline. Affected: yes. Study: VKGL Data-share Consensus. Not counted in ClinVar's aggregate classification.

Genome Diagnostics Laboratory, University Medical Center Utrecht
Classification: Pathogenic. Review status: no assertion criteria provided. Collection method: clinical testing. Allele origin: germline. Affected: yes. Study: VKGL Data-share Consensus. Not counted in ClinVar's aggregate classification.

Joint Genome Diagnostic Labs from Nijmegen and Maastricht, Radboudumc and MUMC+
Classification: Pathogenic. Review status: no assertion criteria provided. Collection method: clinical testing. Allele origin: germline. Affected: yes. Study: VKGL Data-share Consensus. Not counted in ClinVar's aggregate classification.

Literature cited by the submitters: PubMed 19095136 (cited by 4 submitters); PubMed 19279339 (cited by 4 submitters); PubMed 20570917 (cited by Ambry Genetics); PubMed 21606396 (cited by Ambry Genetics and Women's Health and Genetics/Laboratory Corporation of America, LabCorp); PubMed 21723241 (cited by Ambry Genetics); PubMed 25163546 (cited by Ambry Genetics and Women's Health and Genetics/Laboratory Corporation of America, LabCorp); PubMed 25820315 (cited by Ambry Genetics and Women's Health and Genetics/Laboratory Corporation of America, LabCorp); PubMed 28527814 (cited by Ambry Genetics); PubMed 30382575 (cited by Ambry Genetics and Women's Health and Genetics/Laboratory Corporation of America, LabCorp); PubMed 20716751 (cited by Labcorp Genetics (formerly Invitae), Labcorp); PubMed 24503780 (cited by Labcorp Genetics (formerly Invitae), Labcorp); PubMed 25227139 (cited by Labcorp Genetics (formerly Invitae), Labcorp); PubMed 30398466 (cited by Labcorp Genetics (formerly Invitae), Labcorp); PubMed 24070718 (cited by Labcorp Genetics (formerly Invitae), Labcorp); PubMed 21606390 (cited by Women's Health and Genetics/Laboratory Corporation of America, LabCorp); PubMed 25225338 (cited by Women's Health and Genetics/Laboratory Corporation of America, LabCorp).